The following continues an entry in ClinVar:

NM_004562.3(PRKN):c.823C>T (p.Arg275Trp)

Gene: PRKN. ClinVar aggregate classification (germline): Pathogenic/Likely pathogenic. Pathogenic (34); Likely pathogenic (1).

Submissions 13 to 25 of 37:

Women's Health and Genetics/Laboratory Corporation of America, LabCorp
Classification: Pathogenic for Autosomal recessive juvenile Parkinson disease 2. Last evaluated: 2023-12-13. Review status: criteria provided, single submitter. Criteria: LabCorp Variant Classification Summary - May 2015. Collection method: clinical testing. Allele origin: germline.
Comment: Variant summary: PRKN c.823C>T (p.Arg275Trp) results in a non-conservative amino acid change located in the RING finger domain (IPR047535) of the encoded protein sequence. Five of five in-silico tools predict a damaging effect of the variant on protein function. The variant allele was found at a frequency of 0.003 in 1,607,042 control chromosomes in the gnomAD database v4.0 dataset, including 10 homozygotes. However, in gnomAD v4.0 many samples are now derived from large biobanks, which can include individuals with disease. The variant, c.823C>T, has been frequently reported in the literature in homozygous- and compound heterozygous state in individuals affected with Autosomal Recessive Juvenile Parkinson Disease, including families with multiple affected siblings (e.g. Nichols_2002, Khan_2003, Marder_2010, Kim_2021). These data indicate that the variant is very likely to be associated with disease. Several publications reported experimental evidence evaluating an impact on protein function, and demonstrated decreased protein stability with intracellular aggregates, impaired ubiquitination activity, and significantly decreased mitophagy, indicating a clear loss-of-function phenotype (e.g. Sriram_2005, Fiesel_2015, Yi_2019, Broadway_2022). Although the variant has also been reported in (apparent) heterozygous state in several affected individuals, recent large-scale studies examining the role of heterozygous PRKN variants (including R275W) found no association for increased Parkinson Disease risk (e.g. Yu_2021, Zhu_2022). The following publications have been ascertained in the context of this evaluation (PMID: 16049031, 25939424, 30994895, 12114481, 12764051, 20558392, 33497488, 32970363, 35640906, 35954270). 22 submitters have cited clinical-significance assessments for this variant to ClinVar after 2014. All submitters classified the variant as pathogenic. Based on the evidence outlined above, the variant was classified as pathogenic.

GeneDx
Classification: Pathogenic. Last evaluated: 2023-07-25. Review status: criteria provided, single submitter. Criteria: GeneDx Variant Classification Process June 2021. Collection method: clinical testing. Allele origin: germline. Affected: yes.
Comment: Published functional studies show the parkin protein with R275W accumulated around the nucleus in aggregations of misfolded protein, while wild type protein localized primarily to the cytoplasm and nucleus (Cookson et al., 2003); Published functional studies demonstrated that R275W inhibited differentiation of neural stem cells to astrocyte and neurons (Park et al., 2017).; This variant is associated with the following publications: (PMID: 28808173, 25640678, 26556299, 30609409, 27294386, 28656059, 31409571, 22555654, 12730996, 12891670, 20798600, 16049031, 16714300, 14519684, 20457763, 15390068, 19801972, 22118943, 24082139, 19162522, 25591737, 26764160, 25939424, 26683220, 11889248, 10072423, 31324919, 30537300, 30200940, 29353703, 31147223, 27182553, 26855076, 15970950, 26188007, 25907632, 25815004, 24831986, 26836416, 30994895, 33045815, 33504652, 32970363, 34426522, 34434164, 35747619, 28716427, 33818904, 32864185, 33845304, 32740907, 19636047)

Department of Pathology and Laboratory Medicine, Sinai Health System
Classification: Pathogenic for Autosomal recessive juvenile Parkinson disease 2; Lung cancer; Ovarian cancer. Last evaluated: 2023-07-21. Review status: criteria provided, single submitter. Criteria: ACMG Guidelines, 2015. Collection method: research. Allele origin: germline.

Laboratorio de Genetica e Diagnostico Molecular, Hospital Israelita Albert Einstein
Classification: Pathogenic for Autosomal recessive juvenile Parkinson disease 2. Last evaluated: 2022-07-05. Review status: criteria provided, single submitter. Criteria: ACMG Guidelines, 2015. Collection method: clinical testing. Allele origin: germline. Affected: yes. Observed: 1 variant allele.
Comment: ACMG classification criteria: PS3 supporting, PM3 very strong, PP1 strong, PP3 supporting

Clinical Genetics Laboratory, Skane University Hospital Lund
Classification: Likely pathogenic. Last evaluated: 2022-05-27. Review status: criteria provided, single submitter. Criteria: ACMG Guidelines, 2015. Collection method: clinical testing. Allele origin: germline. Affected: yes.

Revvity Omics, Revvity
Classification: Pathogenic for Autosomal recessive juvenile Parkinson disease 2. Last evaluated: 2022-05-25. Review status: criteria provided, single submitter. Criteria: ACMG Guidelines, 2015. Collection method: clinical testing. Allele origin: germline.

AiLife Diagnostics
Classification: Pathogenic. Last evaluated: 2022-03-28. Review status: criteria provided, single submitter. Criteria: ACMG Guidelines, 2015. Collection method: clinical testing. Allele origin: germline. Affected: yes. Observed: 13 variant alleles.

Fulgent Genetics
Classification: Pathogenic for Young-onset Parkinson disease. Last evaluated: 2021-05-03. Review status: criteria provided, single submitter. Criteria: ACMG Guidelines, 2015. Collection method: clinical testing. Allele origin: germline. Affected: yes.

Genetics and Molecular Pathology, SA Pathology
Classification: Pathogenic for Autosomal recessive juvenile Parkinson disease 2. Last evaluated: 2021-03-24. Review status: criteria provided, single submitter. Criteria: ACMG Guidelines, 2015. Collection method: clinical testing. Allele origin: germline. Inheritance: Autosomal recessive inheritance. Affected: yes.

Molecular Genetics, Royal Melbourne Hospital
Classification: Pathogenic for Autosomal recessive juvenile Parkinson disease 2. Last evaluated: 2021-02-26. Review status: criteria provided, single submitter. Criteria: ACMG Guidelines, 2015. Collection method: clinical testing. Allele origin: germline. Affected: yes.
Comment: This sequence change is predicted to replace arginine with tryptophan at codon 275 of the PRKN protein (p.Arg275Trp). The arginine residue is highly conserved (100 vertebrates, UCSC), and located in the RING/Ubox-like zinc-binding domain (Uniprot). There is a large physicochemical difference between arginine and tryptophan. The variant is present in a large population cohort at a frequency of 0.2% (rs34424986, 557/282,496 alleles, 0 homozygotes in gnomAD v2.1). The variant has been identified with a second pathogenic allele in multiple individuals with early-onset Parkinson disease, and segregates with this condition in multiple families (PM3_VeryStrong, PP1_Strong; PMID: 12891670, 22555654, 24831986). The variant causes impaired localisation, mitochondrial ubiquitination, and protein formation in in vitro assays (PS3_Supporting; PMID: 14519684, 24647965, 25939424). Multiple lines of computational evidence predict a deleterious effect for the missense substitution (PP3; 7/7 algorithms). Based on the classification scheme RMH ACMG Guidelines v1.2.1, this variant is classified as PATHOGENIC. Following criteria are met: PM3_VeryStrong, PP1_Strong, PS3_Supporting, PP3.

Institute of Medical Genetics and Applied Genomics, University Hospital Tübingen
Classification: Pathogenic. Last evaluated: 2020-10-23. Review status: criteria provided, single submitter. Criteria: ACMG Guidelines, 2015. Collection method: clinical testing. Allele origin: germline. Inheritance: Autosomal unknown. Affected: yes.

Baylor Genetics
Classification: Pathogenic for Autosomal recessive juvenile Parkinson disease 2. Last evaluated: 2020-09-03. Review status: criteria provided, single submitter. Criteria: ACMG Guidelines, 2015. Collection method: clinical testing. Allele origin: unknown. Affected: yes.
Comment: This variant was determined to be pathogenic according to ACMG Guidelines, 2015 [PMID:25741868].

Laboratory for Molecular Medicine, Mass General Brigham Personalized Medicine
Classification: Pathogenic for Young-onset Parkinson disease. Last evaluated: 2020-06-11. Review status: criteria provided, single submitter. Criteria: ACMG Guidelines, 2015. Collection method: clinical testing. Allele origin: germline. Inheritance: Autosomal recessive inheritance.
Comment: The p.Arg275Trp variant in PRKN (also known as PARK2) has been reported in at least 7 compound heterozygous, 2 heterozygous, 1 homozygous and 11 other (unknown zygosity) individuals with early-onset Parkinson disease (Keogh 2016, Zanellati 2015, Mitsuyama 2015, Bognar 2013, Morais 2016, Gorostidi 2016, and Anderson-Mooney 2016), and segregated with disease in 1 affected sibling (Anderson-Mooney 2016). This variant has also been reported in ClinVar (Variation ID 7050) and has been identified in 0.33% (426/128984) of European chromosomes by gnomAD. Although this variant has been seen in the general population, its frequency is low enough to be consistent with a recessive carrier frequency. In vitro functional studies support that the p.Arg275Trp variant may impact protein function (Bertolin 2015, Fiesel 2015, Cookson 2003, Sriram 2005, and Zanellati 2015). In summary, this variant meets criteria to be classified as pathogenic for early-onset Parkinson disease in an autosomal recessive manner based upon biallelic occurrence in individuals with this disease and supporting functional evidence. ACMG/AMP Criteria applied: PP1, PS3_Moderate, PM3_Very Strong.